The following is an entry in ClinVar:

ClinVar aggregate classification (germline): Likely pathogenic (1 of 4 stars; one submission).

Conditions:
Liddle syndrome 1 (LIDLS1). Also called: PSEUDOALDOSTERONISM. Identifiers: Orphanet 526, MedGen CN031472, MONDO:0020607, OMIM 177200.

Submission:

Department of Internal Medicine, Shaoshan People's Hospital
Classification: Likely pathogenic for Liddle syndrome 1. Last evaluated: 2026-01-15. Review status: criteria provided, single submitter. Criteria: ACMG Guidelines, 2015. Collection method: provider interpretation. Allele origin: germline. Inheritance: Autosomal dominant inheritance. Affected: yes. Observed: 1 variant allele, 1 heterozygote.
Comment: This variant (SCNN1B NM_000336.3: c.1853C>G; p.Pro618Arg) was classified as Likely Pathogenic based on the following ACMG/AMP criteria: PM1 - located in a well-established functional domain (PY motif of β-ENaC); PM2 - absent from gnomAD population database; PP3 - multiple in silico tools predict damaging effect; PP4 - patient phenotype (severe early-onset hypertension, hypokalemia, suppressed renin, normal aldosterone) is highly specific for Liddle syndrome.

Literature cited by the submitters: PubMed 26740561.

NM_000336.3(SCNN1B):c.1853C>G (p.Pro618Arg)

Gene: SCNN1B (sodium channel epithelial 1 subunit beta; plus strand). Cytogenetic location: 16p12.2.
Variant type: single nucleotide variant.
Coding change: c.1853C>G on transcript NM_000336.3 (MANE Select); coding-DNA position 1853, C replaced by G.
Protein change: p.Pro618Arg; replaces proline 618 with arginine.
Molecular consequence: missense variant.
Genome position (GRCh38, 1-based): chr16:23,380,731, C>G. VCF-style: chr16-23380731-C-G. GRCh37 (hg19) VCF-style: chr16-23392052-C-G.
Other names: p.Pro618Arg; c.1745C>G, p.Pro582Arg (NM_001410900.1); short protein forms P582R, P618R.
Identifiers: ClinVar variation 4820202 (VCV004820202.1).